The following is an entry in ClinVar:

NM_002579.3(PALM):c.14C>T (p.Ala5Val)

Gene: PALM (paralemmin; plus strand). Cytogenetic location: 19p13.3.
Variant type: single nucleotide variant.
Coding change: c.14C>T on transcript NM_002579.3 (MANE Select); coding-DNA position 14, C replaced by T.
Protein change: p.Ala5Val; replaces alanine 5 with valine.
Molecular consequence: missense variant.
Genome position (GRCh38, 1-based): chr19:726,146, C>T. VCF-style: chr19-726146-C-T. GRCh37 (hg19) VCF-style: chr19-726146-C-T.
Other names: c.14C>T, p.Ala5Val (NM_001040134.2); short protein forms A5V.
Identifiers: ClinVar variation 1981142 (VCV001981142.5), dbSNP rs372771354, ClinGen allele CA9022379.

ClinVar aggregate classification (germline): Conflicting classifications of pathogenicity. Review status: criteria provided, conflicting classifications (1 of 4 stars). 2 submissions from 2 submitters: Uncertain significance (1); Likely benign (1). Last evaluated 2024-11-04.

Allele frequency attached by ClinVar (database versions not stated): ESP Exome Variant Server 0.00008; 1000 Genomes Project 30x 0.00016; 1000 Genomes Project 0.00020.
gnomAD v4.1: 136 of 1,612,734 alleles (0.0084%); highest among the groups gnomAD compares: South Asian, 0.049%; no homozygotes.

Submissions (2):

Labcorp Genetics (formerly Invitae), Labcorp
Classification: Uncertain significance. Last evaluated: 2024-11-04. Review status: criteria provided, single submitter. Criteria: Invitae Variant Classification Sherloc (09022015). Collection method: clinical testing. Allele origin: germline.
Comment: This sequence change replaces alanine, which is neutral and non-polar, with valine, which is neutral and non-polar, at codon 5 of the PALM protein (p.Ala5Val). This variant is present in population databases (rs372771354, gnomAD 0.05%). This variant has not been reported in the literature in individuals affected with PALM-related conditions. ClinVar contains an entry for this variant (Variation ID: 1981142). An algorithm developed to predict the effect of missense changes on protein structure and function outputs the following: PolyPhen-2: "Benign". The valine amino acid residue is found in multiple mammalian species, which suggests that this missense change does not adversely affect protein function. In summary, the available evidence is currently insufficient to determine the role of this variant in disease. Therefore, it has been classified as a Variant of Uncertain Significance.

Ambry Genetics
Classification: Likely benign. Last evaluated: 2021-11-22. Review status: criteria provided, single submitter. Criteria: Ambry Variant Classification Scheme 2023. Collection method: clinical testing. Allele origin: germline.